The following is an entry in ClinVar:

ClinVar aggregate classification (germline): Likely benign. Review status: criteria provided, multiple submitters, no conflicts (2 of 4 stars). 2 submissions from 2 submitters: Likely benign (2). Last evaluated 2026-03-20.

Conditions:
EMC1-related disorder. Also called: EMC1-related condition.

Allele frequency attached by ClinVar (database versions not stated): ExAC 0.00001; gnomAD exomes 0.00001; gnomAD 0.00006; TOPMed 0.00006.
gnomAD v4.1: 23 of 1,613,356 alleles (0.0014%); highest among the groups gnomAD compares: African/African-American, 0.015%; no homozygotes.

Submissions (2):

PreventionGenetics, part of Exact Sciences
Classification: Likely benign for EMC1-related condition. Last evaluated: 2026-03-20. Review status: criteria provided, single submitter. Criteria: ACMG Guidelines, 2015. Collection method: clinical testing. Allele origin: germline.
Comment: This variant is classified as likely benign based on ACMG/AMP sequence variant interpretation guidelines (Richards et al. 2015 PMID: 25741868, with internal and published modifications).

Labcorp Genetics (formerly Invitae), Labcorp
Classification: Likely benign. Last evaluated: 2023-05-07. Review status: criteria provided, single submitter. Criteria: Invitae Variant Classification Sherloc (09022015). Collection method: clinical testing. Allele origin: germline.

NM_015047.3(EMC1):c.2584C>T (p.Leu862=)

Genes: EMC1 (ER membrane protein complex subunit 1; minus strand), EMC1-AS1 (EMC1 antisense RNA 1; plus strand). Cytogenetic location: 1p36.13.
Variant type: single nucleotide variant.
Coding change: c.2584C>T on transcript NM_015047.3 (MANE Select); coding-DNA position 2584, C replaced by T.
Protein change: p.Leu862=; no amino-acid change (leucine 862 retained).
Molecular consequence: synonymous variant.
Genome position (GRCh38, 1-based): chr1:19,222,627, G>A on the plus strand (C>T on the coding strand, the complement: EMC1 is on the minus strand). VCF-style: chr1-19222627-G-A. GRCh37 (hg19) VCF-style: chr1-19549121-G-A.
Other names: c.2581C>T, p.Leu861= (NM_001271427.2, NM_001271428.2); c.2518C>T, p.Leu840= (NM_001271429.2); c.2593C>T, p.Leu865= (NM_001375820.1); c.2590C>T, p.Leu864= (NM_001375821.1); c.2584C>T (NM_015047.2).
Identifiers: ClinVar variation 2827455 (VCV002827455.4), dbSNP rs760208894, ClinGen allele CA652236.
Genomic context (GRCh38, chr1:19,222,627, plus strand): 5'-CTTAAGTGTGGTTGCCCAAGGGAACCCAGCCATCCCAGAGGCTCCCCAGTCACTCACTCA[G>A]CAGGTGTCGGCTGGTGATGCCCCGTTCGGTGATGGTGGCCTCCATGGCACTGATGGAGGA-3'
Protein context (NP_055862.1, residues 852-872): TERGITSRHL[Leu862=]IGLPSGAILS